The following is an entry in ClinVar:

ClinVar aggregate classification (germline): Uncertain significance. Review status: criteria provided, multiple submitters, no conflicts (2 of 4 stars). 2 submissions from 2 submitters: Uncertain significance (2). Last evaluated 2024-09-19.

Conditions:
Hereditary cancer-predisposing syndrome. Also called: Tumor predisposition; Hereditary Cancer Syndrome; Neoplastic Syndromes, Hereditary; Hereditary neoplastic syndrome. Identifiers: Orphanet 140162, MedGen C0027672, MeSH D009386, MONDO:0015356.

Submissions (2):

Blueprint Genetics
Classification: Uncertain significance. Last evaluated: 2024-09-19. Review status: criteria provided, single submitter. Criteria: ACMG Guidelines, 2015. Collection method: clinical testing. Allele origin: germline.

Ambry Genetics
Classification: Uncertain significance for Hereditary cancer-predisposing syndrome. Last evaluated: 2017-03-07. Review status: criteria provided, single submitter. Criteria: Ambry Variant Classification Scheme 2023. Collection method: clinical testing. Allele origin: germline.
Comment: The p.K175Q variant (also known as c.523A>C), located in coding exon 5 of the MRE11A gene, results from an A to C substitution at nucleotide position 523. The lysine at codon 175 is replaced by glutamine, an amino acid with similar properties. This amino acid position is highly conserved in available vertebrate species. In addition, the in silico prediction for this alteration is inconclusive. Since supporting evidence is limited at this time, the clinical significance of this alteration remains unclear.

NM_005591.4(MRE11):c.523A>C (p.Lys175Gln)

Gene: MRE11 (MRE11 double strand break repair nuclease; minus strand). Cytogenetic location: 11q21.
Variant type: single nucleotide variant.
Coding change: c.523A>C on transcript NM_005591.4 (MANE Select); coding-DNA position 523, A replaced by C.
Protein change: p.Lys175Gln; replaces lysine 175 with glutamine.
Molecular consequence: missense variant.
Genome position (GRCh38, 1-based): chr11:94,478,756, T>G on the plus strand (A>C on the coding strand, the complement: MRE11 is on the minus strand). VCF-style: chr11-94478756-T-G. GRCh37 (hg19) VCF-style: chr11-94211922-T-G.
Other names: c.523A>C, p.Lys175Gln (NM_001330347.2, NM_005590.4); short protein forms K175Q.
Identifiers: ClinVar variation 481782 (VCV000481782.6), dbSNP rs1370004377, ClinGen allele CA382377294.